The following is an entry in ClinVar:

NM_004369.4(COL6A3):c.1006C>T (p.Arg336Trp)

Gene: COL6A3 (collagen type VI alpha 3 chain; minus strand). Cytogenetic location: 2q37.3.
Variant type: single nucleotide variant.
Coding change: c.1006C>T on transcript NM_004369.4 (MANE Select); coding-DNA position 1006, C replaced by T.
Protein change: p.Arg336Trp; replaces arginine 336 with tryptophan.
Molecular consequence: missense variant. On other transcripts: intron variant (2).
Genome position (GRCh38, 1-based): chr2:237,387,888, G>A on the plus strand (C>T on the coding strand, the complement: COL6A3 is on the minus strand). VCF-style: chr2-237387888-G-A. GRCh37 (hg19) VCF-style: chr2-238296531-G-A.
Other names: c.388C>T, p.Arg130Trp (NM_057165.5, NM_057167.4); c.92-6389C>T (NM_057166.5, NM_057164.5); short protein forms R336W, R130W.
Identifiers: ClinVar variation 497851 (VCV000497851.21), dbSNP rs200720222, ClinGen allele CA2189729.

ClinVar aggregate classification (germline): Conflicting classifications of pathogenicity. Review status: criteria provided, conflicting classifications (1 of 4 stars). 5 submissions from 5 submitters: Uncertain significance (4); Benign (1). Last evaluated 2025-12-01.

Conditions:
Bethlem myopathy 1A. Also called: Bethlem Muscular Dystrophy; MYOPATHY, BENIGN CONGENITAL, WITH CONTRACTURES; Bethlem myopathy 1. Identifiers: Orphanet 610, MedGen CN029274, MONDO:0024530, OMIM 158810.

Allele frequency attached by ClinVar (database versions not stated): gnomAD 0.00001 and 0.00002; ExAC 0.00004; gnomAD exomes 0.00004 and 0.00005; TOPMed 0.00004; ESP Exome Variant Server 0.00015.

Submissions (5):

Labcorp Genetics (formerly Invitae), Labcorp
Classification: Benign for Bethlem myopathy 1A. Last evaluated: 2025-12-01. Review status: criteria provided, single submitter. Criteria: Invitae Variant Classification Sherloc (09022015). Collection method: clinical testing. Allele origin: germline.

Women's Health and Genetics/Laboratory Corporation of America, LabCorp
Classification: Uncertain significance. Last evaluated: 2025-03-17. Review status: criteria provided, single submitter. Criteria: LabCorp Variant Classification Summary - May 2015. Collection method: clinical testing. Allele origin: germline.
Comment: Variant summary: COL6A3 c.1006C>T (p.Arg336Trp) results in a non-conservative amino acid change in the encoded protein sequence. Three of four in-silico tools predict a damaging effect of the variant on protein function. The variant allele was found at a frequency of 4.8e-05 in 250794 control chromosomes (gnomAD). This frequency is not significantly higher than estimated for a pathogenic variant in COL6A3 causing Ullrich congenital muscular dystrophy 1-AR (4.8e-05 vs 0.0035), allowing no conclusion about variant significance. c.1006C>T has been reported in the literature in the heterozygous state in an individual with suspected limb-girdle muscular dystrophy (Nallamilli_2018). This report does not provide unequivocal conclusions about association of the variant with Ullrich congenital muscular dystrophy 1-AR. To our knowledge, no experimental evidence demonstrating an impact on protein function has been reported. The following publication has been ascertained in the context of this evaluation (PMID: 30564623). ClinVar contains an entry for this variant (Variation ID: 497851). Based on the evidence outlined above, the variant was classified as uncertain significance.

Revvity Omics, Revvity
Classification: Uncertain significance. Last evaluated: 2023-01-03. Review status: criteria provided, single submitter. Criteria: ACMG Guidelines, 2015. Collection method: clinical testing. Allele origin: germline.

GeneDx
Classification: Uncertain significance. Last evaluated: 2021-07-16. Review status: criteria provided, single submitter. Criteria: GeneDx Variant Classification Process June 2021. Collection method: clinical testing. Allele origin: germline. Affected: yes.
Comment: Reported in heterozygous state as a variant of uncertain significance in an individual with clinically suspected limb-girdle muscular dystrophy (Nallamilli et al., 2018); In silico analysis supports that this missense variant has a deleterious effect on protein structure/function; This variant is associated with the following publications: (PMID: 30564623, 27535533)

Eurofins Ntd Llc (ga)
Classification: Uncertain significance. Last evaluated: 2016-10-25. Review status: criteria provided, single submitter. Criteria: EGL Classification Definitions 2015. Collection method: clinical testing. Allele origin: germline. Observed: 1 variant allele, 1 heterozygote.

Literature cited by the submitters: PubMed 30564623 (cited by Women's Health and Genetics/Laboratory Corporation of America, LabCorp).